The following is an entry in ClinVar:

ClinVar aggregate classification (germline): Pathogenic (1 of 4 stars; one submission).

Conditions:
Bardet-Biedl syndrome (BBS). Identifiers: Orphanet 110, MedGen C0752166, MONDO:0015229.

Submission:

Labcorp Genetics (formerly Invitae), Labcorp
Classification: Pathogenic for Bardet-Biedl syndrome. Last evaluated: 2025-11-24. Review status: criteria provided, single submitter. Criteria: Invitae Variant Classification Sherloc (09022015). Collection method: clinical testing. Allele origin: germline.
Comment: This sequence change creates a premature translational stop signal (p.Asp442Argfs*24) in the BBS4 gene. It is expected to result in an absent or disrupted protein product. Loss-of-function variants in BBS4 are known to be pathogenic (PMID: 11381270, 12016587, 20177705, 26355662, 27894351). This variant is not present in population databases (gnomAD no frequency). This variant has not been reported in the literature in individuals affected with BBS4-related conditions. Algorithms developed to predict the effect of sequence changes on RNA splicing suggest that this variant may disrupt the consensus splice site. For these reasons, this variant has been classified as Pathogenic.

Literature cited by the submitters: PubMed 11381270; PubMed 12016587; PubMed 20177705; PubMed 26355662; PubMed 27894351.

NM_033028.5(BBS4):c.1323dup (p.Asp442fs)

Gene: BBS4 (Bardet-Biedl syndrome 4; plus strand). Cytogenetic location: 15q24.1.
Variant type: Duplication.
Coding change: c.1323dup on transcript NM_033028.5 (MANE Select); coding-DNA position 1323, one base duplicated (A; older notation c.1323dupA).
Protein change: p.Asp442fs; shifts the reading frame from aspartic acid 442.
Molecular consequence: frameshift variant. On other transcripts: non-coding transcript variant (2).
Genome position (GRCh38, 1-based): chr15:72,736,836, A duplicated; the last of 3 consecutive A bases (chr15:72,736,834-72,736,836); duplicating any one gives the same sequence. VCF-style (leftmost placement, unchanged base first): chr15-72736833-T-TA. GRCh37 (hg19) VCF-style: chr15-73029174-T-TA.
Other names: c.807dup, p.Asp270fs (NM_001252678.2); c.1254dup, p.Asp419fs (NM_001320665.2); short protein forms D442fs, D419fs, D270fs.
Identifiers: ClinVar variation 4728489 (VCV004728489.1).